The following is an entry in ClinVar:

ClinVar aggregate classification (germline): Conflicting classifications of pathogenicity. Review status: criteria provided, conflicting classifications (1 of 4 stars). 23 submissions from 19 submitters: Uncertain significance (6); Benign (3); Likely benign (9). 5 of the submissions do not count toward it. Last evaluated 2026-01-27.

Conditions:
Dilated cardiomyopathy 1G (CMD1G). Identifiers: Orphanet 154, MedGen C1858763, MONDO:0011400, OMIM 604145.
Autosomal recessive limb-girdle muscular dystrophy type 2J (LGMDR10). Also called: MUSCULAR DYSTROPHY, LIMB-GIRDLE, AUTOSOMAL RECESSIVE 10; Limb-girdle muscular dystrophy, type 2J. Identifiers: Orphanet 140922, MedGen C1837342, MONDO:0012127, OMIM 608807.
TTN-related disorder. Also called: TTN-related disorders; TTN-related condition; TTN-related disease.
Cardiomyopathy (CMYO). Also called: Cardiomyopathies. Identifiers: Orphanet 167848, MedGen C0878544, MONDO:0004994, HP:0001638. Inheritance: Various modes of inheritance.
Myopathy, myofibrillar, 9, with early respiratory failure (MFM9). Also called: Myopathy, distal, with early respiratory failure, autosomal dominant; Hereditary myopathy with early respiratory failure; MYOPATHY, PROXIMAL, WITH EARLY RESPIRATORY MUSCLE INVOLVEMENT; EDSTROM MYOPATHY. Identifiers: Orphanet 178464, Orphanet 34521, MedGen C1863599, MONDO:0011362, OMIM 603689.
Early-onset myopathy with fatal cardiomyopathy (CMYO5). Also called: CONGENITAL MYOPATHY 5 WITH CARDIOMYOPATHY; Salih Myopathy. Identifiers: Orphanet 289377, MedGen C2673677, MONDO:0012714, OMIM 611705. Disease mechanism: loss of function.
Tibial muscular dystrophy (TMD). Also called: Udd Distal Myopathy – Tibial Muscular Dystrophy; Tibial muscular dystrophy, tardive; UDD MYOPATHY. Identifiers: Orphanet 609, MedGen C1838244, MONDO:0010870, OMIM 600334.

Allele frequency attached by ClinVar (database versions not stated): ESP Exome Variant Server 0.00042; gnomAD exomes 0.00166 and 0.00059; ExAC 0.00059; TOPMed 0.00062; 1000 Genomes Project 0.00020; gnomAD 0.00061; 1000 Genomes Project 30x 0.00031.
gnomAD v4.1: 2,454 of 1,603,862 alleles (0.15%); highest among the groups gnomAD compares: Non-Finnish European, 0.2%; 3 homozygotes.

Submissions (23):

Labcorp Genetics (formerly Invitae), Labcorp
Classification: Likely benign for Dilated cardiomyopathy 1G; Autosomal recessive limb-girdle muscular dystrophy type 2J. Last evaluated: 2026-01-27. Review status: criteria provided, single submitter. Criteria: Invitae Variant Classification Sherloc (09022015). Collection method: clinical testing. Allele origin: germline.

CeGaT Center for Human Genetics Tuebingen
Classification: Likely benign. Last evaluated: 2026-01-01. Review status: criteria provided, single submitter. Criteria: CeGaT Center For Human Genetics Tuebingen Variant Classification Criteria Version 2. Collection method: clinical testing. Allele origin: germline. Affected: yes. Observed: 4 variant alleles.
Comment: TTN: BP4, BS2

ARUP Laboratories, Molecular Genetics and Genomics, ARUP Laboratories
Classification: Uncertain significance. Last evaluated: 2025-05-09. Review status: criteria provided, single submitter. Criteria: ARUP Molecular Germline Variant Investigation Process 2024. Collection method: clinical testing. Allele origin: germline.
Comment: The TTN c.20335A>T; p.Ser6779Cys variant (rs149470241, ClinVar Variation ID: 46670) is reported in the literature in an individual affected with hypertrophic cardiomyopathy, although its clinical significance was uncertain (Vadgama 2022). This variant is found in the non-Finnish European population with an allele frequency of 0.11% (142/125,770 alleles) in the Genome Aggregation Database (v2.1.1). Computational analyses are uncertain whether this variant is neutral or deleterious (REVEL: 0.501). Due to limited information, the clinical significance of this variant is uncertain at this time. References: Vadgama N et al. De novo and inherited variants in coding and regulatory regions in genetic cardiomyopathies. Hum Genomics. 2022 Nov 10;16(1):55. PMID: 36357925.

Molecular Diagnostic Laboratory for Inherited Cardiovascular Disease, Montreal Heart Institute
Classification: Likely benign. Last evaluated: 2025-04-09. Review status: criteria provided, single submitter. Criteria: ACMG Guidelines, 2015. Collection method: clinical testing. Allele origin: germline. Affected: no.

Athena Diagnostics
Classification: Likely benign. Last evaluated: 2025-04-08. Review status: criteria provided, single submitter. Criteria: Athena Diagnostics Criteria. Collection method: clinical testing. Allele origin: unknown.
Comment: The frequency of this variant in the general population is higher than would generally be expected for pathogenic variants in this gene.

Blueprint Genetics
Classification: Likely benign. Last evaluated: 2024-11-14. Review status: criteria provided, single submitter. Criteria: ACMG Guidelines, 2015. Collection method: clinical testing. Allele origin: germline.

Mayo Clinic Laboratories, Mayo Clinic
Classification: Uncertain significance. Last evaluated: 2023-05-26. Review status: criteria provided, single submitter. Criteria: ACMG Guidelines, 2015. Collection method: clinical testing. Allele origin: germline. Observed: 4 variant alleles.

Women's Health and Genetics/Laboratory Corporation of America, LabCorp
Classification: Likely benign. Last evaluated: 2022-04-09. Review status: criteria provided, single submitter. Criteria: LabCorp Variant Classification Summary - May 2015. Collection method: clinical testing. Allele origin: germline.

GeneDx
Classification: Likely benign. Last evaluated: 2020-12-04. Review status: criteria provided, single submitter. Criteria: GeneDx Variant Classification Process June 2021. Collection method: clinical testing. Allele origin: germline. Affected: yes.
Comment: This variant is associated with the following publications: (PMID: 23861362)

CHEO Genetics Diagnostic Laboratory, Children's Hospital of Eastern Ontario
Classification: Benign for Cardiomyopathy. Last evaluated: 2019-08-09. Review status: criteria provided, single submitter. Criteria: ACMG Guidelines, 2015. Collection method: clinical testing. Allele origin: germline.

Laboratory for Molecular Medicine, Mass General Brigham Personalized Medicine
Classification: Likely benign. Last evaluated: 2018-11-26. Review status: criteria provided, single submitter. Criteria: LMM Criteria. Collection method: clinical testing. Allele origin: germline. Observed: 3 variant alleles.
Comment: The p.Ser5535Cys variant in TTN is classified as likely benign because it has be en identified in 0.1% (142/124290) of European chromosomes by gnomAD. ACMG/AMP Criteria applied: BS1.

Illumina Laboratory Services, Illumina
Classification: Benign for Myopathy, myofibrillar, 9, with early respiratory failure. Last evaluated: 2018-01-12. Review status: criteria provided, single submitter. Criteria: ICSL Variant Classification Criteria 13 December 2019. Collection method: clinical testing. Allele origin: germline.
Comment: This variant was observed in the ICSL laboratory as part of a predisposition screen in an ostensibly healthy population. It had not been previously curated by ICSL or reported in the Human Gene Mutation Database (HGMD: prior to June 1st, 2018), and was therefore a candidate for classification through an automated scoring system. Utilizing variant allele frequency, disease prevalence and penetrance estimates, and inheritance mode, an automated score was calculated to assess if this variant is too frequent to cause the disease. Based on the score and internal cut-off values, a variant classified as benign is not then subjected to further curation. The score for this variant resulted in a classification of benign for this disease.

Illumina Laboratory Services, Illumina
Classification: Uncertain significance for Early-onset myopathy with fatal cardiomyopathy. Last evaluated: 2018-01-12. Review status: criteria provided, single submitter. Criteria: ICSL Variant Classification Criteria 13 December 2019. Collection method: clinical testing. Allele origin: germline.

Illumina Laboratory Services, Illumina
Classification: Benign for Tibial muscular dystrophy. Last evaluated: 2018-01-12. Review status: criteria provided, single submitter. Criteria: ICSL Variant Classification Criteria 13 December 2019. Collection method: clinical testing. Allele origin: germline.
Comment: the same text as in the submission from Illumina Laboratory Services, Illumina above.

Illumina Laboratory Services, Illumina
Classification: Uncertain significance for Dilated cardiomyopathy 1G. Last evaluated: 2018-01-12. Review status: criteria provided, single submitter. Criteria: ICSL Variant Classification Criteria 13 December 2019. Collection method: clinical testing. Allele origin: germline.

Illumina Laboratory Services, Illumina
Classification: Uncertain significance for Autosomal recessive limb-girdle muscular dystrophy type 2J. Last evaluated: 2018-01-12. Review status: criteria provided, single submitter. Criteria: ICSL Variant Classification Criteria 13 December 2019. Collection method: clinical testing. Allele origin: germline.

Eurofins Ntd Llc (ga)
Classification: Uncertain significance. Last evaluated: 2016-01-14. Review status: criteria provided, single submitter. Criteria: EGL Classification Definitions 2015. Collection method: clinical testing. Allele origin: germline. Observed: 4 variant alleles, 4 heterozygotes.

Biesecker Lab/Clinical Genomics Section, National Institutes of Health
Classification: Likely benign. Last evaluated: 2013-06-24. Review status: criteria provided, single submitter. Criteria: Ng et al. (Circ Cardiovasc Genet. 2013). Collection method: research. Allele origin: unknown. Observed: 2 variant alleles. Study: ClinSeq.
Comment: The study set was not selected for affection status in relation to any cancer. Pathogenicity categories were based on literature curation. See Pubmed ID:23861362 for details.

Medical sequencing

PreventionGenetics, part of Exact Sciences
Classification: Likely benign for TTN-related condition. Last evaluated: 2020-10-12. Review status: no assertion criteria provided. Collection method: clinical testing. Allele origin: germline. Not counted in ClinVar's aggregate classification.
Comment: This variant is classified as likely benign based on ACMG/AMP sequence variant interpretation guidelines (Richards et al. 2015 PMID: 25741868, with internal and published modifications).

Clinical Genetics, Academic Medical Center
Classification: Likely benign. Review status: no assertion criteria provided. Collection method: clinical testing. Allele origin: germline. Affected: yes. Study: VKGL Data-share Consensus. Not counted in ClinVar's aggregate classification.

Diagnostic Laboratory, Department of Genetics, University Medical Center Groningen
Classification: Likely benign. Review status: no assertion criteria provided. Collection method: clinical testing. Allele origin: germline. Affected: yes. Study: VKGL Data-share Consensus. Not counted in ClinVar's aggregate classification.

Genome Diagnostics Laboratory, University Medical Center Utrecht
Classification: Likely benign. Review status: no assertion criteria provided. Collection method: clinical testing. Allele origin: germline. Affected: yes. Study: VKGL Data-share Consensus. Not counted in ClinVar's aggregate classification.

Joint Genome Diagnostic Labs from Nijmegen and Maastricht, Radboudumc and MUMC+
Classification: Likely benign. Review status: no assertion criteria provided. Collection method: clinical testing. Allele origin: germline. Affected: yes. Study: VKGL Data-share Consensus. Not counted in ClinVar's aggregate classification.

Literature cited by the submitters: PubMed 36357925 (cited by Athena Diagnostics).

NM_001267550.2(TTN):c.20335A>T (p.Ser6779Cys)

Gene: TTN (titin; minus strand). Cytogenetic location: 2q31.2.
Variant type: single nucleotide variant.
Coding change: c.20335A>T on transcript NM_001267550.2 (MANE Select); coding-DNA position 20335, A replaced by T.
Protein change: p.Ser6779Cys; replaces serine 6779 with cysteine.
Molecular consequence: missense variant. On other transcripts: intron variant (3).
Genome position (GRCh38, 1-based): chr2:178,725,987, T>A on the plus strand (A>T on the coding strand, the complement: TTN is on the minus strand). VCF-style: chr2-178725987-T-A. GRCh37 (hg19) VCF-style: chr2-179590714-T-A.
Other names: p.S6462C:AGT>TGT; c.19384A>T, p.Ser6462Cys (NM_001256850.1); c.16603A>T, p.Ser5535Cys (NM_133378.4); c.13282+12095A>T (NM_003319.4); c.13858+12095A>T (NM_133437.4); c.13657+12095A>T (NM_133432.3); short protein forms S6779C, S5535C, S6462C.
Identifiers: ClinVar variation 46670 (VCV000046670.85), dbSNP rs149470241, ClinGen allele CA138912.